The following is an entry in ClinVar:

NM_000179.3(MSH6):c.1777C>G (p.Gln593Glu)

Gene: MSH6 (mutS homolog 6; plus strand). Cytogenetic location: 2p16.3.
Variant type: single nucleotide variant.
Coding change: c.1777C>G on transcript NM_000179.3 (MANE Select); coding-DNA position 1777, C replaced by G.
Protein change: p.Gln593Glu; replaces glutamine 593 with glutamic acid.
Molecular consequence: missense variant.
Genome position (GRCh38, 1-based): chr2:47,799,760, C>G. VCF-style: chr2-47799760-C-G. GRCh37 (hg19) VCF-style: chr2-48026899-C-G.
Other names: c.1387C>G, p.Gln463Glu (NM_001281492.2); c.871C>G, p.Gln291Glu (NM_001281493.2, NM_001281494.2); short protein forms Q291E, Q463E, Q593E.
Identifiers: ClinVar variation 820056 (VCV000820056.4), dbSNP rs751179784, ClinGen allele CA068133.
Genomic context (GRCh38, chr2:47,799,760, plus strand): 5'-TTTTCAGATGATCGCCATTGTTCGAGATTTAGGACTCTAGTGGCACACTATCCCCCAGTA[C>G]AAGTTTTATTTGAAAAAGGAAATCTCTCAAAGGAAACTAAAACAATTCTAAAGAGTTCAT-3'
Protein context (NP_000170.1, residues 583-603): RTLVAHYPPV[Gln593Glu]VLFEKGNLSK

ClinVar aggregate classification (germline): Uncertain significance (1 of 4 stars; one submission).

Conditions:
Hereditary cancer-predisposing syndrome. Also called: Neoplastic Syndromes, Hereditary; Tumor predisposition; Hereditary Cancer Syndrome; Hereditary neoplastic syndrome. Identifiers: Orphanet 140162, MedGen C0027672, MeSH D009386, MONDO:0015356.

Allele frequency attached by ClinVar (database versions not stated): gnomAD exomes 0.00001; ExAC 0.00002.
gnomAD v4.1: 3 of 1,614,138 alleles (0.00019%); highest among the groups gnomAD compares: Admixed American, 0.0017%; no homozygotes.

Submission:

Ambry Genetics
Classification: Uncertain significance for Hereditary cancer-predisposing syndrome. Last evaluated: 2022-10-06. Review status: criteria provided, single submitter. Criteria: Ambry Variant Classification Scheme 2023. Collection method: clinical testing. Allele origin: germline.
Comment: The p.Q593E variant (also known as c.1777C>G), located in coding exon 4 of the MSH6 gene, results from a C to G substitution at nucleotide position 1777. The glutamine at codon 593 is replaced by glutamic acid, an amino acid with highly similar properties. This amino acid position is well conserved in available vertebrate species. In addition, this alteration is predicted to be tolerated by in silico analysis. Since supporting evidence is limited at this time, the clinical significance of this alteration remains unclear.